The following is an entry in ClinVar:

ClinVar aggregate classification (germline): Conflicting classifications of pathogenicity. Review status: criteria provided, conflicting classifications (1 of 4 stars). 3 submissions from 3 submitters: Likely pathogenic (1); Uncertain significance (2). Last evaluated 2026-04-30.

Conditions:
Peroxisome biogenesis disorder. Identifiers: Orphanet 79189, MedGen C1832200, MONDO:0019234. Disease mechanism: loss of function.
Heimler syndrome 2 (HMLR2). Also called: PEROXISOME BIOGENESIS DISORDER 4C. Identifiers: Orphanet 3220, MedGen C4225267, OMIM 616617, MONDO:0014709.

gnomAD v4.1: 2 of 1,611,738 alleles (0.00012%); highest among the groups gnomAD compares: Admixed American, 0.0017%; no homozygotes.

Submissions (3):

Laboratory of Molecular, Cellular and Translation Genetics in Otolaryngology/ Lim32-hcfmusp, University of Sao Paulo School of Medicine Clinics Hospital
Classification: Likely pathogenic for Heimler syndrome 2. Last evaluated: 2026-04-30. Review status: criteria provided, single submitter. Criteria: ACMG Guidelines, 2015. Collection method: research. Allele origin: germline. Affected: yes.
Comment: NM_000287.4:c.1550G>C: p.(Arg517Pro). This variant has been classified as likely pathogenic. It is absent from population databases (PM2), and in silico prediction tools support a deleterious effect on protein function (PP3_moderate). It has been previously reported in individuals with hearing loss (PS4_supporting) and has been shown to segregate with the phenotype in affected families (PP1). These findings support the causative role of this variant in Heimler syndrome as described in PMID: 42233699.

Labcorp Genetics (formerly Invitae), Labcorp
Classification: Uncertain significance for Peroxisome biogenesis disorder. Last evaluated: 2022-03-20. Review status: criteria provided, single submitter. Criteria: Invitae Variant Classification Sherloc (09022015). Collection method: clinical testing. Allele origin: germline.
Comment: This sequence change replaces arginine, which is basic and polar, with proline, which is neutral and non-polar, at codon 517 of the PEX6 protein (p.Arg517Pro). This variant is not present in population databases (gnomAD no frequency). This variant has not been reported in the literature in individuals affected with PEX6-related conditions. ClinVar contains an entry for this variant (Variation ID: 501464). Algorithms developed to predict the effect of missense changes on protein structure and function are either unavailable or do not agree on the potential impact of this missense change (SIFT: "Deleterious"; PolyPhen-2: "Probably Damaging"; Align-GVGD: "Class C15"). In summary, the available evidence is currently insufficient to determine the role of this variant in disease. Therefore, it has been classified as a Variant of Uncertain Significance.

Eurofins Ntd Llc (ga)
Classification: Uncertain significance. Last evaluated: 2017-04-14. Review status: criteria provided, single submitter. Criteria: EGL Classification Definitions 2015. Collection method: clinical testing. Allele origin: germline. Observed: 1 variant allele, 1 heterozygote.

Literature cited by the submitters: PubMed 42233699 (cited by Laboratory of Molecular, Cellular and Translation Genetics in Otolaryngology/ Lim32-hcfmusp, University of Sao Paulo School of Medicine Clinics Hospital).

NM_000287.4(PEX6):c.1550G>C (p.Arg517Pro)

Gene: PEX6 (peroxisomal biogenesis factor 6; minus strand). Cytogenetic location: 6p21.1.
Variant type: single nucleotide variant.
Coding change: c.1550G>C on transcript NM_000287.4 (MANE Select); coding-DNA position 1550, G replaced by C.
Protein change: p.Arg517Pro; replaces arginine 517 with proline.
Molecular consequence: missense variant. On other transcripts: non-coding transcript variant (1).
Genome position (GRCh38, 1-based): chr6:42,968,428, C>G on the plus strand (G>C on the coding strand, the complement: PEX6 is on the minus strand). VCF-style: chr6-42968428-C-G. GRCh37 (hg19) VCF-style: chr6-42936166-C-G.
Other names: c.1286G>C, p.Arg429Pro (NM_001316313.2); short protein forms R517P, R429P.
Identifiers: ClinVar variation 501464 (VCV000501464.12), dbSNP rs371782808, ClinGen allele CA364154433.